The following is an entry in ClinVar:

NM_001243925.2(MAPKAPK3):c.628+16A>G

Gene: MAPKAPK3 (MAPK activated protein kinase 3; plus strand). Cytogenetic location: 3p21.2.
Variant type: single nucleotide variant.
Coding change: c.628+16A>G on transcript NM_001243925.2 (MANE Select); 16 bases into the intron after coding-DNA position 628, A replaced by G.
Molecular consequence: intron variant.
Genome position (GRCh38, 1-based): chr3:50,644,548, A>G. VCF-style: chr3-50644548-A-G. GRCh37 (hg19) VCF-style: chr3-50681979-A-G.
Other names: c.628+16A>G (NM_001243926.2, NM_004635.5).
Identifiers: ClinVar variation 1430753 (VCV001430753.8), dbSNP rs2107600398, ClinGen allele CA2573137233.

ClinVar aggregate classification (germline): Uncertain significance (1 of 4 stars; one submission).

Allele frequency attached by ClinVar (database versions not stated): gnomAD exomes below 0.00001.
gnomAD v4.1: 1 of 1,613,736 alleles (0.000062%); highest among the groups gnomAD compares: Non-Finnish European, 0.000085%; no homozygotes.

Submission:

Labcorp Genetics (formerly Invitae), Labcorp
Classification: Uncertain significance. Last evaluated: 2021-04-06. Review status: criteria provided, single submitter. Criteria: Invitae Variant Classification Sherloc (09022015). Collection method: clinical testing. Allele origin: germline.
Comment: This sequence change falls in intron 8 of the MAPKAPK3 gene. It does not directly change the encoded amino acid sequence of the MAPKAPK3 protein. This variant is not present in population databases (ExAC no frequency). This variant has not been reported in the literature in individuals with MAPKAPK3-related conditions. Algorithms developed to predict the effect of sequence changes on RNA splicing suggest that this variant may create or strengthen a splice site, but this prediction has not been confirmed by published transcriptional studies. In summary, the available evidence is currently insufficient to determine the role of this variant in disease. Therefore, it has been classified as a Variant of Uncertain Significance.